The following is an entry in ClinVar:

ClinVar aggregate classification (germline): Likely pathogenic. Review status: criteria provided, single submitter (1 of 4 stars). 2 submissions from 2 submitters: Likely pathogenic (1). 1 of the submissions does not count toward it. Last evaluated 2022-05-17.

Conditions:
Spastic paraplegia. Identifiers: MedGen C0037772, HP:0001258.
Hereditary spastic paraplegia 15 (SPG15). Also called: SPASTIC PARAPLEGIA 15, AUTOSOMAL RECESSIVE; KJELLIN SYNDROME; SPASTIC PARAPLEGIA AND RETINAL DEGENERATION. Identifiers: Orphanet 100996, MedGen C1849128, MONDO:0010044, OMIM 270700.

Submissions (2):

Labcorp Genetics (formerly Invitae), Labcorp
Classification: Likely pathogenic for Spastic paraplegia. Last evaluated: 2022-05-17. Review status: criteria provided, single submitter. Criteria: Invitae Variant Classification Sherloc (09022015). Collection method: clinical testing. Allele origin: germline.
Comment: In summary, the currently available evidence indicates that the variant is pathogenic, but additional data are needed to prove that conclusively. Therefore, this variant has been classified as Likely Pathogenic. Algorithms developed to predict the effect of sequence changes on RNA splicing suggest that this variant may disrupt the consensus splice site. ClinVar contains an entry for this variant (Variation ID: 553185). This variant has not been reported in the literature in individuals affected with ZFYVE26-related conditions. This variant is not present in population databases (gnomAD no frequency). This sequence change affects a donor splice site in intron 39 of the ZFYVE26 gene. It is expected to disrupt RNA splicing. Variants that disrupt the donor or acceptor splice site typically lead to a loss of protein function (PMID: 16199547), and loss-of-function variants in ZFYVE26 are known to be pathogenic (PMID: 18394578, 19805727).

Counsyl
Classification: Likely pathogenic for Hereditary spastic paraplegia 15. Last evaluated: 2017-08-04. Review status: no assertion criteria provided. Collection method: clinical testing. Allele origin: unknown. Not counted in ClinVar's aggregate classification.

Literature cited by the submitters: PubMed 16199547 (cited by Labcorp Genetics (formerly Invitae), Labcorp); PubMed 18394578 (cited by Labcorp Genetics (formerly Invitae), Labcorp); PubMed 19805727 (cited by Labcorp Genetics (formerly Invitae), Labcorp).

NM_015346.4(ZFYVE26):c.7188+1G>A

Gene: ZFYVE26 (zinc finger FYVE-type containing 26; minus strand). Cytogenetic location: 14q24.1.
Variant type: single nucleotide variant.
Coding change: c.7188+1G>A on transcript NM_015346.4 (MANE Select); the canonical splice donor site of the intron after coding-DNA position 7188, G replaced by A.
Molecular consequence: splice donor variant.
Genome position (GRCh38, 1-based): chr14:67,753,706, C>T on the plus strand (G>A on the coding strand, the complement: ZFYVE26 is on the minus strand). VCF-style: chr14-67753706-C-T. GRCh37 (hg19) VCF-style: chr14-68220423-C-T.
Identifiers: ClinVar variation 553185 (VCV000553185.7), dbSNP rs1555393338, ClinGen allele CA390159249.